The following is an entry in ClinVar:

ClinVar aggregate classification (germline): Uncertain significance. Review status: criteria provided, multiple submitters, no conflicts (2 of 4 stars). 2 submissions from 2 submitters: Uncertain significance (2). Last evaluated 2024-07-09.

Allele frequency attached by ClinVar (database versions not stated): TOPMed below 0.00001.
gnomAD v4.1: 2 of 1,614,084 alleles (0.00012%); highest among the groups gnomAD compares: Non-Finnish European, 0.00017%; no homozygotes.

Submissions (2):

Labcorp Genetics (formerly Invitae), Labcorp
Classification: Uncertain significance. Last evaluated: 2024-07-09. Review status: criteria provided, single submitter. Criteria: Invitae Variant Classification Sherloc (09022015). Collection method: clinical testing. Allele origin: germline.
Comment: This sequence change replaces isoleucine, which is neutral and non-polar, with phenylalanine, which is neutral and non-polar, at codon 1718 of the SCN3A protein (p.Ile1718Phe). This variant is present in population databases (rs764222987, gnomAD 0.0009%). This variant has not been reported in the literature in individuals affected with SCN3A-related conditions. ClinVar contains an entry for this variant (Variation ID: 2435698). Advanced modeling of protein sequence and biophysical properties (such as structural, functional, and spatial information, amino acid conservation, physicochemical variation, residue mobility, and thermodynamic stability) has been performed at Invitae for this missense variant, however the output from this modeling did not meet the statistical confidence thresholds required to predict the impact of this variant on SCN3A protein function. In summary, the available evidence is currently insufficient to determine the role of this variant in disease. Therefore, it has been classified as a Variant of Uncertain Significance.

Revvity Omics, Revvity
Classification: Uncertain significance. Last evaluated: 2022-07-13. Review status: criteria provided, single submitter. Criteria: ACMG Guidelines, 2015. Collection method: clinical testing. Allele origin: germline.

NM_006922.4(SCN3A):c.5152A>T (p.Ile1718Phe)

Gene: SCN3A (sodium voltage-gated channel alpha subunit 3; minus strand). Cytogenetic location: 2q24.3.
Variant type: single nucleotide variant.
Coding change: c.5152A>T on transcript NM_006922.4 (MANE Select); coding-DNA position 5152, A replaced by T.
Protein change: p.Ile1718Phe; replaces isoleucine 1718 with phenylalanine.
Molecular consequence: missense variant.
Genome position (GRCh38, 1-based): chr2:165,091,001, T>A on the plus strand (A>T on the coding strand, the complement: SCN3A is on the minus strand). VCF-style: chr2-165091001-T-A. GRCh37 (hg19) VCF-style: chr2-165947511-T-A.
Other names: c.5005A>T, p.Ile1669Phe (NM_001081676.2, NM_001081677.2); short protein forms I1669F, I1718F.
Identifiers: ClinVar variation 2435698 (VCV002435698.5), dbSNP rs764222987, ClinGen allele CA1938444.